The following is an entry in ClinVar:

NM_001297719.2(BMAL1):c.140+7C>T

Gene: BMAL1 (basic helix-loop-helix ARNT like 1; plus strand). Cytogenetic location: 11p15.3.
Variant type: single nucleotide variant.
Coding change: c.140+7C>T on transcript NM_001297719.2 (MANE Select); 7 bases into the intron after coding-DNA position 140, C replaced by T.
Molecular consequence: intron variant.
Genome position (GRCh38, 1-based): chr11:13,354,455, C>T. VCF-style: chr11-13354455-C-T. GRCh37 (hg19) VCF-style: chr11-13376002-C-T.
Other names: c.140+7C>T (NM_001351804.1, NM_001351814.2, NM_001178.6 and 10 more transcripts); c.-36+7C>T (NM_001351812.2, NM_001351809.2); c.-61+7C>T (NM_001351823.2, NM_001351808.2, NM_001351818.2 and 5 more transcripts); c.-54+7C>T (NM_001351820.2, NM_001297724.2); c.-603+7C>T (NM_001351811.2).
Identifiers: ClinVar variation 4855547 (VCV004855547.1).
Genomic context (GRCh38, chr11:13,354,455, plus strand): 5'-TACCAGTGGTGTGGATTGCAACCGCAAACGGAAAGGCAGCTCCACTGACTACCAGTAAGG[C>T]CTTTGGGGCATGTCTTCCTCTTGTTAAACTTGGTGTCAGTTCTCGGGCATGGAACATCTA-3'

ClinVar aggregate classification (germline): Uncertain significance (1 of 4 stars; one submission).

Conditions:
BMAL1-related disorder.

gnomAD v4.1: 1 of 1,613,098 alleles (0.000062%); highest among the groups gnomAD compares: Admixed American, 0.0017%; no homozygotes.

Submission:

3billion
Classification: Uncertain significance for BMAL1-related disorder. Last evaluated: 2025-12-08. Review status: criteria provided, single submitter. Criteria: ACMG Guidelines, 2015. Collection method: clinical testing. Allele origin: germline. Affected: yes.
Comment: The variant is observed at an extremely low frequency in the gnomAD v4.1.0 dataset (total allele frequency: <0.001%). Predicted Consequence/Location: Intron variant In silico tools predict the variant to alter splicing and produce an abnormal transcript [SpliceAI: 0.52 (>=0.2, moderate evidence for spliceogenicity)]. Therefore, this variant is classified as VUS according to the recommendation of ACMG/AMP guideline.